The following is an entry in ClinVar:

NM_022132.5(MCCC2):c.1332C>T (p.Ser444=)

Gene: MCCC2 (methylcrotonyl-CoA carboxylase subunit 2; plus strand). Cytogenetic location: 5q13.2.
Variant type: single nucleotide variant.
Coding change: c.1332C>T on transcript NM_022132.5 (MANE Select); coding-DNA position 1332, C replaced by T.
Protein change: p.Ser444=; no amino-acid change (serine 444 retained).
Molecular consequence: synonymous variant.
Genome position (GRCh38, 1-based): chr5:71,649,212, C>T. VCF-style: chr5-71649212-C-T. GRCh37 (hg19) VCF-style: chr5-70945039-C-T.
Other names: c.1332C>T (NM_022132.4); c.1218C>T, p.Ser406= (NM_001363147.1).
Identifiers: ClinVar variation 2723522 (VCV002723522.5), dbSNP rs530131846, ClinGen allele CA3298107.

ClinVar aggregate classification (germline): Likely benign. Review status: criteria provided, single submitter (1 of 4 stars). 2 submissions from 2 submitters: Likely benign (1). 1 of the submissions does not count toward it. Last evaluated 2023-06-27.

Conditions:
MCCC2-related disorder. Also called: MCCC2-related condition.
3-methylcrotonyl-CoA carboxylase 2 deficiency. Also called: 3 alpha methylcrotonyl-CoA carboxylase 2 deficiency; 3 alpha methylcrotonylglycinuria 2; MCC 2 deficiency; Methylcrotonylglycinuria type 2; METHYLCROTONYLGLYCINURIA, TYPE II. Identifiers: Orphanet 6, MedGen C1859499, MONDO:0008862, OMIM 210210.

Allele frequency attached by ClinVar (database versions not stated): gnomAD exomes below 0.00001; ExAC 0.00001; gnomAD 0.00001; 1000 Genomes Project 30x 0.00016; 1000 Genomes Project 0.00020.
gnomAD v4.1: 3 of 1,614,120 alleles (0.00019%); highest among the groups gnomAD compares: African/African-American, 0.004%; no homozygotes.

Submissions (2):

Labcorp Genetics (formerly Invitae), Labcorp
Classification: Likely benign for 3-methylcrotonyl-CoA carboxylase 2 deficiency. Last evaluated: 2023-06-27. Review status: criteria provided, single submitter. Criteria: Invitae Variant Classification Sherloc (09022015). Collection method: clinical testing. Allele origin: germline.

PreventionGenetics, part of Exact Sciences
Classification: Likely benign for MCCC2-related condition. Last evaluated: 2019-06-20. Review status: no assertion criteria provided. Collection method: clinical testing. Allele origin: germline. Not counted in ClinVar's aggregate classification.
Comment: This variant is classified as likely benign based on ACMG/AMP sequence variant interpretation guidelines (Richards et al. 2015 PMID: 25741868, with internal and published modifications).